The following is an entry in ClinVar:

NM_133497.4(KCNV2):c.278C>T (p.Pro93Leu)

Gene: KCNV2 (potassium voltage-gated channel modifier subfamily V member 2; plus strand). Cytogenetic location: 9p24.2.
Variant type: single nucleotide variant.
Coding change: c.278C>T on transcript NM_133497.4 (MANE Select); coding-DNA position 278, C replaced by T.
Protein change: p.Pro93Leu; replaces proline 93 with leucine.
Molecular consequence: missense variant.
Genome position (GRCh38, 1-based): chr9:2,718,017, C>T. VCF-style: chr9-2718017-C-T. GRCh37 (hg19) VCF-style: chr9-2718017-C-T.
Other names: short protein forms P93L.
Identifiers: ClinVar variation 1436999 (VCV001436999.6), dbSNP rs1449828854, ClinGen allele CA372796287.

ClinVar aggregate classification (germline): Uncertain significance (1 of 4 stars; one submission).

Allele frequency attached by ClinVar (database versions not stated): gnomAD exomes below 0.00001; gnomAD 0.00001; TOPMed 0.00001.

Submission:

Labcorp Genetics (formerly Invitae), Labcorp
Classification: Uncertain significance. Last evaluated: 2022-08-10. Review status: criteria provided, single submitter. Criteria: Invitae Variant Classification Sherloc (09022015). Collection method: clinical testing. Allele origin: germline.
Comment: This sequence change replaces proline, which is neutral and non-polar, with leucine, which is neutral and non-polar, at codon 93 of the KCNV2 protein (p.Pro93Leu). This variant is present in population databases (no rsID available, gnomAD 0.003%). This variant has not been reported in the literature in individuals affected with KCNV2-related conditions. ClinVar contains an entry for this variant (Variation ID: 1436999). Advanced modeling of protein sequence and biophysical properties (such as structural, functional, and spatial information, amino acid conservation, physicochemical variation, residue mobility, and thermodynamic stability) performed at Invitae indicates that this missense variant is not expected to disrupt KCNV2 protein function. In summary, the available evidence is currently insufficient to determine the role of this variant in disease. Therefore, it has been classified as a Variant of Uncertain Significance.